The following is an entry in ClinVar:

NM_001323289.2(CDKL5):c.693del (p.Ser232fs)

Gene: CDKL5 (cyclin dependent kinase like 5; plus strand). Cytogenetic location: Xp22.13.
Variant type: Deletion.
Coding change: c.693del on transcript NM_001323289.2 (MANE Select); coding-DNA position 693, one base deleted (A; older notation c.693delA).
Protein change: p.Ser232fs; shifts the reading frame from serine 232.
Molecular consequence: frameshift variant.
Genome position (GRCh38, 1-based): chrX:18,588,092, A deleted. VCF-style (leftmost placement, unchanged base first): chrX-18588091-CA-C. GRCh37 (hg19) VCF-style: chrX-18606211-CA-C.
Other names: c.693delA (NM_003159.2); c.693del, p.Ser232fs (NM_001037343.2, NM_003159.3); short protein forms S232fs.
Identifiers: ClinVar variation 280587 (VCV000280587.2), dbSNP rs886041764, ClinGen allele CA10603550.
Genomic context (GRCh38, chrX:18,588,091, plus strand): 5'-TTCCTGGAGAAAGTGAAATTGACCAACTTTTTACTATTCAGAAGGTGCTAGGACCACTTC[CA>C]TCTGAGCAGATGAAGCTTTTCTACAGTAATCCTCGCTTCCATGGGCTCCGGGTAAGAGGT-3'

ClinVar aggregate classification (germline): Pathogenic (1 of 4 stars; one submission).

Submission:

GeneDx
Classification: Pathogenic. Last evaluated: 2016-05-05. Review status: criteria provided, single submitter. Criteria: GeneDx Variant Classification (06012015). Collection method: clinical testing. Allele origin: germline. Affected: yes.
Comment: The c.693delA pathogenic variant in the CDKL5 gene has not been reported previously as a pathogenic variant nor as a benign variant, to our knowledge. It causes a frameshift starting with codon Serine 232, changes this amino acid to a Leucine residue, and creates a premature Stop codon at position 4 of the new reading frame, denoted p.Ser232LeufsX4. This variant is predicted to cause loss of normal protein function either through protein truncation or nonsense-mediated mRNA decay. The c.693delA variant was not observed in approximately 6500 individuals of European and African American ancestry in the NHLBI Exome Sequencing Project, indicating it is not a common benign variant in these populations.